The following is an entry in ClinVar:

ClinVar aggregate classification (germline): Pathogenic. Review status: criteria provided, multiple submitters, no conflicts (2 of 4 stars). 4 submissions from 4 submitters: Pathogenic (4). Last evaluated 2025-05-12.

Conditions:
Familial cancer of breast. Also called: BREAST CANCER, FAMILIAL; Hereditary breast cancer; hereditary breast carcinoma. Identifiers: Orphanet 227535, MedGen C0346153, MONDO:0016419, OMIM 114480. Disease mechanism: loss of function.
Hereditary cancer-predisposing syndrome. Also called: Neoplastic Syndromes, Hereditary; Tumor predisposition; Hereditary neoplastic syndrome; Hereditary Cancer Syndrome. Identifiers: Orphanet 140162, MedGen C0027672, MeSH D009386, MONDO:0015356.

Allele frequency attached by ClinVar (database versions not stated): gnomAD exomes below 0.00001.

Submissions (4):

Color Diagnostics, LLC DBA Color Health
Classification: Pathogenic for Hereditary cancer-predisposing syndrome. Last evaluated: 2025-05-12. Review status: criteria provided, single submitter. Criteria: ACMG Guidelines, 2015. Collection method: clinical testing. Allele origin: germline.
Comment: This variant inserts 1 nucleotide in exon 4/11 of the BARD1 gene, creating a frameshift and premature translation stop signal. This variant is expected to result in an absent or non-functional protein product. To our knowledge, this variant has not been reported in individuals affected with BARD1-related disorders in the literature. This variant has not been identified in the general population by the Genome Aggregation Database (gnomAD). Loss of BARD1 function is a known mechanism of disease. Based on the available evidence, this variant is classified as Pathogenic.

Labcorp Genetics (formerly Invitae), Labcorp
Classification: Pathogenic for Familial cancer of breast. Last evaluated: 2023-11-03. Review status: criteria provided, single submitter. Criteria: Invitae Variant Classification Sherloc (09022015). Collection method: clinical testing. Allele origin: germline.
Comment: This sequence change creates a premature translational stop signal (p.Ala173Glyfs*9) in the BARD1 gene. It is expected to result in an absent or disrupted protein product. Loss-of-function variants in BARD1 are known to be pathogenic (PMID: 20077502, 21344236). This variant is not present in population databases (gnomAD no frequency). This variant has not been reported in the literature in individuals affected with BARD1-related conditions. ClinVar contains an entry for this variant (Variation ID: 825513). For these reasons, this variant has been classified as Pathogenic.

Myriad Genetics, Inc.
Classification: Pathogenic for Familial cancer of breast. Last evaluated: 2023-05-19. Review status: criteria provided, single submitter. Criteria: Myriad Autosomal Dominant, Autosomal Recessive and X-Linked Classification Criteria (2023). Collection method: clinical testing. Allele origin: unknown.
Comment: This variant is considered pathogenic. This variant creates a frameshift predicted to result in premature protein truncation.

Ambry Genetics
Classification: Pathogenic for Hereditary cancer-predisposing syndrome. Last evaluated: 2022-08-29. Review status: criteria provided, single submitter. Criteria: Ambry Variant Classification Scheme 2023. Collection method: clinical testing. Allele origin: germline.
Comment: The c.517dupG variant, located in coding exon 4 of the BARD1 gene, results from a duplication of G at nucleotide position 517, causing a translational frameshift with a predicted alternate stop codon (p.A173Gfs*9). This alteration is expected to result in loss of function by premature protein truncation or nonsense-mediated mRNA decay. As such, this alteration is interpreted as a disease-causing mutation.

Literature cited by the submitters: PubMed 20077502 (cited by Labcorp Genetics (formerly Invitae), Labcorp); PubMed 21344236 (cited by Labcorp Genetics (formerly Invitae), Labcorp).

NM_000465.4(BARD1):c.517dup (p.Ala173fs)

Gene: BARD1 (BRCA1 associated RING domain 1; minus strand). Cytogenetic location: 2q35.
Variant type: Duplication.
Coding change: c.517dup on transcript NM_000465.4 (MANE Select); coding-DNA position 517, one base duplicated (G; older notation c.517dupG).
Protein change: p.Ala173fs; shifts the reading frame from alanine 173.
Molecular consequence: frameshift variant. On other transcripts: non-coding transcript variant (2), intron variant (3).
Genome position (GRCh38, 1-based): chr2:214,781,357, C duplicated on the plus strand (G on the coding strand, the reverse complement: BARD1 is on the minus strand). VCF-style (leftmost placement, unchanged base first): chr2-214781356-G-GC. GRCh37 (hg19) VCF-style: chr2-215646080-G-GC.
Other names: c.460dup, p.Ala154fs (NM_001282543.2); c.158+28055dup (NM_001282548.2); c.215+15704dup (NM_001282545.2); c.364+10940dup (NM_001282549.2); short protein forms A154fs, A173fs.
Identifiers: ClinVar variation 825513 (VCV000825513.12), dbSNP rs1574821129, ClinGen allele CA915941695.